The following is an entry in ClinVar:

NM_001768.7(CD8A):c.702del (p.Arg233_Tyr234insTer)

Gene: CD8A (CD8 subunit alpha; minus strand). Cytogenetic location: 2p11.2.
Variant type: Deletion.
Coding change: c.702del on transcript NM_001768.7 (MANE Select); coding-DNA position 702, one base deleted (C; older notation c.702delC).
Protein change: p.Arg233_Tyr234insTer.
Molecular consequence: nonsense. On other transcripts: non-coding transcript variant (5).
Genome position (GRCh38, 1-based): chr2:86,785,926, G deleted on the plus strand (C on the coding strand, the reverse complement: CD8A is on the minus strand). VCF-style (leftmost placement, unchanged base first): chr2-86785925-CG-C. GRCh37 (hg19) VCF-style: chr2-87013048-CG-C.
Other names: c.702del, p.Arg233_Tyr234insTer (NM_001145873.1, NM_001382698.1); c.591del, p.Arg196_Tyr197insTer (NM_171827.4).
Identifiers: ClinVar variation 626081 (VCV000626081.4), dbSNP rs747233306, ClinGen allele CA51404490.

ClinVar aggregate classification (germline): Uncertain significance. Review status: criteria provided, multiple submitters, no conflicts (2 of 4 stars). 2 submissions from 2 submitters: Uncertain significance (2). Last evaluated 2021-05-10.

Conditions:
Susceptibility to respiratory infections associated with CD8alpha chain mutation (IMD116). Also called: Cd8 deficiency, familial; IMMUNODEFICIENCY 116. Identifiers: Orphanet 169085, MedGen C1837065, MONDO:0012161, OMIM 608957.

Allele frequency attached by ClinVar (database versions not stated): gnomAD exomes below 0.00001 and 0.00001; gnomAD 0.00001; TOPMed 0.00001.

Submissions (2):

Labcorp Genetics (formerly Invitae), Labcorp
Classification: Uncertain significance for Susceptibility to respiratory infections associated with CD8alpha chain mutation. Last evaluated: 2021-05-10. Review status: criteria provided, single submitter. Criteria: Invitae Variant Classification Sherloc (09022015). Collection method: clinical testing. Allele origin: germline.
Comment: This sequence change creates a premature translational stop signal (p.Tyr234*) in the CD8A gene. While this is not anticipated to result in nonsense mediated decay, it is expected to disrupt the last 2 amino acid(s) of the CD8A protein. This variant is not present in population databases (ExAC no frequency). This variant has not been reported in the literature in individuals with CD8A-related conditions. ClinVar contains an entry for this variant (Variation ID: 626081). In summary, the available evidence is currently insufficient to determine the role of this variant in disease. Therefore, it has been classified as a Variant of Uncertain Significance.

Center for Genomics, Ann and Robert H. Lurie Children's Hospital of Chicago
Classification: Uncertain significance for Susceptibility to respiratory infections associated with CD8alpha chain mutation. Last evaluated: 2021-03-30. Review status: criteria provided, single submitter. Criteria: ACMG Guidelines, 2015. Collection method: clinical testing. Allele origin: germline.
Comment: CD8A NM_001768.6 exon 6 p.Tyr234* (c.702delC): This variant has not been reported in the literature but is present in 1/109882 European alleles in the Genome Aggregation Database. Evolutionary conservation and computational predictive tools for this variant are limited or unavailable. This variant is a deletion of 1 nucleotide and creates a premature stop at this codon which is predicted to result in an absent or abnormal protein. However, there is insufficient evidence to establish loss of function as a disease mechanism for this gene. In addition, this variant occurs within the last exon of this gene; due to its position, it is possible that this protein may escape nonsense mediated decay. Further studies are needed to understand its impact. In summary, data on this variant is insufficient for disease classification. Therefore, the clinical significance of this variant is uncertain.